The following is an entry in ClinVar:

ClinVar aggregate classification (germline): Uncertain significance. Review status: criteria provided, multiple submitters, no conflicts (2 of 4 stars). 2 submissions from 2 submitters: Uncertain significance (2). Last evaluated 2024-12-26.

Conditions:
Inborn genetic diseases. Identifiers: MedGen C0950123, MeSH D030342.
Leber congenital amaurosis 6 (LCA6). Identifiers: Orphanet 65, MedGen C1854260, MONDO:0013446, OMIM 613826.
Cone-rod dystrophy 13 (CORD13). Identifiers: Orphanet 1872, MedGen C2750720, MONDO:0011987, OMIM 608194.

Allele frequency attached by ClinVar (database versions not stated): gnomAD exomes below 0.00001 and 0.00001; ExAC 0.00002; TOPMed 0.00002; gnomAD 0.00004.

Submissions (2):

Ambry Genetics
Classification: Uncertain significance for Inborn genetic diseases. Last evaluated: 2024-12-26. Review status: criteria provided, single submitter. Criteria: Ambry Variant Classification Scheme 2023. Collection method: clinical testing. Allele origin: germline.

Labcorp Genetics (formerly Invitae), Labcorp
Classification: Uncertain significance for Leber congenital amaurosis 6; Cone-rod dystrophy 13. Last evaluated: 2022-01-13. Review status: criteria provided, single submitter. Criteria: Invitae Variant Classification Sherloc (09022015). Collection method: clinical testing. Allele origin: germline.
Comment: In summary, the available evidence is currently insufficient to determine the role of this variant in disease. Therefore, it has been classified as a Variant of Uncertain Significance. Algorithms developed to predict the effect of missense changes on protein structure and function are either unavailable or do not agree on the potential impact of this missense change (SIFT: "Tolerated"; PolyPhen-2: "Possibly Damaging"; Align-GVGD: "Class C0"). ClinVar contains an entry for this variant (Variation ID: 1016100). This variant has not been reported in the literature in individuals affected with RPGRIP1-related conditions. This variant is present in population databases (rs768759217, gnomAD 0.02%). This sequence change replaces lysine, which is basic and polar, with glutamic acid, which is acidic and polar, at codon 1278 of the RPGRIP1 protein (p.Lys1278Glu).

NM_020366.4(RPGRIP1):c.3832A>G (p.Lys1278Glu)

Gene: RPGRIP1 (RPGR interacting protein 1; plus strand). Cytogenetic location: 14q11.2.
Variant type: single nucleotide variant.
Coding change: c.3832A>G on transcript NM_020366.4 (MANE Select); coding-DNA position 3832, A replaced by G.
Protein change: p.Lys1278Glu; replaces lysine 1278 with glutamic acid.
Molecular consequence: missense variant.
Genome position (GRCh38, 1-based): chr14:21,351,187, A>G. VCF-style: chr14-21351187-A-G. GRCh37 (hg19) VCF-style: chr14-21819346-A-G.
Other names: c.1810A>G, p.Lys604Glu (NM_001377523.1, NM_001377950.1); c.2758A>G, p.Lys920Glu (NM_001377948.1); c.1918A>G, p.Lys640Glu (NM_001377949.1); c.1315A>G, p.Lys439Glu (NM_001377951.1); c.3832A>G (NM_020366.3); short protein forms K1278E, K439E, K604E, K640E, K920E.
Identifiers: ClinVar variation 1016100 (VCV001016100.9), dbSNP rs768759217, ClinGen allele CA7089626.